The following is an entry in ClinVar:

NM_018136.5(ASPM):c.1505C>G (p.Ala502Gly)

Gene: ASPM (assembly factor for spindle microtubules; minus strand). Cytogenetic location: 1q31.3.
Variant type: single nucleotide variant.
Coding change: c.1505C>G on transcript NM_018136.5 (MANE Select); coding-DNA position 1505, C replaced by G.
Protein change: p.Ala502Gly; replaces alanine 502 with glycine.
Molecular consequence: missense variant.
Genome position (GRCh38, 1-based): chr1:197,142,747, G>C on the plus strand (C>G on the coding strand, the complement: ASPM is on the minus strand). VCF-style: chr1-197142747-G-C. GRCh37 (hg19) VCF-style: chr1-197111877-G-C.
Other names: c.1505C>G, p.Ala502Gly (NM_001206846.2); c.1505C>G (NM_018136.4); short protein forms A502G.
Identifiers: ClinVar variation 1709449 (VCV001709449.8), dbSNP rs140410863, ClinGen allele CA1310701.
Genomic context (GRCh38, chr1:197,142,747, plus strand): 5'-TTGAGACATCTTTTTGCTTTTGGTTTATTAATCTCAGTTTGGTTTTCTCTGGTACAGGTG[G>C]CCTTCCTTTTAGTAACAGTGGCAGAAAGTATTGGACGTCTCTTAGGTTGTTTATTGTGGC-3'
Protein context (NP_060606.3, residues 492-512): ILSATVTKRK[Ala502Gly]TCTRENQTEI

ClinVar aggregate classification (germline): Uncertain significance. Review status: criteria provided, multiple submitters, no conflicts (2 of 4 stars). 4 submissions from 4 submitters: Uncertain significance (4). Last evaluated 2025-04-09.

Conditions:
Inborn genetic diseases. Identifiers: MedGen C0950123, MeSH D030342.
Microcephaly 5, primary, autosomal recessive (MCPH5). Also called: ASPM Primary Microcephaly. Identifiers: Orphanet 2512, MedGen C1837501, MONDO:0012106, OMIM 608716.

Allele frequency attached by ClinVar (database versions not stated): TOPMed 0.00005; gnomAD 0.00007; ExAC 0.00008; ESP Exome Variant Server 0.00008.
gnomAD v4.1: 119 of 1,613,728 alleles (0.0074%); highest among the groups gnomAD compares: Middle Eastern, 0.016%; no homozygotes.

Submissions (4):

Labcorp Genetics (formerly Invitae), Labcorp
Classification: Uncertain significance. Last evaluated: 2025-04-09. Review status: criteria provided, single submitter. Criteria: Invitae Variant Classification Sherloc (09022015). Collection method: clinical testing. Allele origin: germline.
Comment: This sequence change replaces alanine, which is neutral and non-polar, with glycine, which is neutral and non-polar, at codon 502 of the ASPM protein (p.Ala502Gly). This variant is present in population databases (rs140410863, gnomAD 0.01%). This variant has not been reported in the literature in individuals affected with ASPM-related conditions. ClinVar contains an entry for this variant (Variation ID: 1709449). Invitae Evidence Modeling of protein sequence and biophysical properties (such as structural, functional, and spatial information, amino acid conservation, physicochemical variation, residue mobility, and thermodynamic stability) indicates that this missense variant is not expected to disrupt ASPM protein function with a negative predictive value of 80%. In summary, the available evidence is currently insufficient to determine the role of this variant in disease. Therefore, it has been classified as a Variant of Uncertain Significance.

Ambry Genetics
Classification: Uncertain significance for Inborn genetic diseases. Last evaluated: 2023-10-02. Review status: criteria provided, single submitter. Criteria: Ambry Variant Classification Scheme 2023. Collection method: clinical testing. Allele origin: germline.

Genome-Nilou Lab
Classification: Uncertain significance for Microcephaly 5, primary, autosomal recessive. Last evaluated: 2023-04-11. Review status: criteria provided, single submitter. Criteria: ACMG Guidelines, 2015. Collection method: clinical testing. Allele origin: germline. Affected: no.

MGZ Medical Genetics Center
Classification: Uncertain significance for Microcephaly 5, primary, autosomal recessive. Last evaluated: 2022-08-08. Review status: criteria provided, single submitter. Criteria: ACMG Guidelines, 2015. Collection method: clinical testing. Allele origin: germline. Affected: yes. Observed: 1 variant allele.
Comment: ACMG criteria applied: PM2_SUP, BP4